The following is an entry in ClinVar:

NM_003235.5(TG):c.7260G>A (p.Pro2420=)

Genes: SLA (Src like adaptor; minus strand), TG (thyroglobulin; plus strand). Cytogenetic location: 8q24.22.
Variant type: single nucleotide variant.
Coding change: c.7260G>A on transcript NM_003235.5 (MANE Select); coding-DNA position 7260, G replaced by A.
Protein change: p.Pro2420=; no amino-acid change (proline 2420 retained).
Molecular consequence: synonymous variant. On other transcripts: intron variant (4).
Genome position (GRCh38, 1-based): chr8:133,095,064, G>A. VCF-style: chr8-133095064-G-A. GRCh37 (hg19) VCF-style: chr8-134107308-G-A.
Other names: c.-264+7489C>T (NM_001282965.2); c.11+7489C>T (NM_001282964.2, NM_001045557.3); c.-319+7489C>T (NM_001045556.3).
Identifiers: ClinVar variation 2913293 (VCV002913293.8), dbSNP rs149678808, ClinGen allele CA4885587.

ClinVar aggregate classification (germline): Likely benign. Review status: criteria provided, multiple submitters, no conflicts (2 of 4 stars). 3 submissions from 3 submitters: Likely benign (3). Last evaluated 2026-03-01.

Allele frequency attached by ClinVar (database versions not stated): gnomAD exomes 0.00003; ExAC 0.00006; ESP Exome Variant Server 0.00015; 1000 Genomes Project 30x 0.00031; 1000 Genomes Project 0.00040.
gnomAD v4.1: 113 of 1,613,804 alleles (0.007%); highest among the groups gnomAD compares: East Asian, 0.016%; no homozygotes.

Submissions (3):

CeGaT Center for Human Genetics Tuebingen
Classification: Likely benign. Last evaluated: 2026-03-01. Review status: criteria provided, single submitter. Criteria: CeGaT Center For Human Genetics Tuebingen Variant Classification Criteria Version 2. Collection method: clinical testing. Allele origin: germline. Affected: yes. Observed: 1 variant allele.
Comment: TG: BP4, BP7

Labcorp Genetics (formerly Invitae), Labcorp
Classification: Likely benign. Last evaluated: 2024-03-12. Review status: criteria provided, single submitter. Criteria: Invitae Variant Classification Sherloc (09022015). Collection method: clinical testing. Allele origin: germline.

Blueprint Genetics
Classification: Likely benign. Last evaluated: 2024-02-05. Review status: criteria provided, single submitter. Criteria: ACMG Guidelines, 2015. Collection method: clinical testing. Allele origin: germline.